The following is an entry in ClinVar:

NM_173477.5(USH1G):c.1325C>A (p.Ala442Asp)

Gene: USH1G (USH1 protein network component sans; minus strand). Cytogenetic location: 17q25.1.
Variant type: single nucleotide variant.
Coding change: c.1325C>A on transcript NM_173477.5 (MANE Select); coding-DNA position 1325, C replaced by A.
Protein change: p.Ala442Asp; replaces alanine 442 with aspartic acid.
Molecular consequence: missense variant.
Genome position (GRCh38, 1-based): chr17:74,919,511, G>T on the plus strand (C>A on the coding strand, the complement: USH1G is on the minus strand). VCF-style: chr17-74919511-G-T. GRCh37 (hg19) VCF-style: chr17-72915606-G-T.
Other names: c.1016C>A, p.Ala339Asp (NM_001282489.3); short protein forms A442D, A339D.
Identifiers: ClinVar variation 1954031 (VCV001954031.5), dbSNP rs2544427337, ClinGen allele CA400961145.

ClinVar aggregate classification (germline): Uncertain significance (1 of 4 stars; one submission).

Submission:

Labcorp Genetics (formerly Invitae), Labcorp
Classification: Uncertain significance. Last evaluated: 2022-05-15. Review status: criteria provided, single submitter. Criteria: Invitae Variant Classification Sherloc (09022015). Collection method: clinical testing. Allele origin: germline.
Comment: In summary, the available evidence is currently insufficient to determine the role of this variant in disease. Therefore, it has been classified as a Variant of Uncertain Significance. Algorithms developed to predict the effect of missense changes on protein structure and function are either unavailable or do not agree on the potential impact of this missense change (SIFT: "Not Available"; PolyPhen-2: "Probably Damaging"; Align-GVGD: "Not Available"). This sequence change replaces alanine, which is neutral and non-polar, with aspartic acid, which is acidic and polar, at codon 442 of the USH1G protein (p.Ala442Asp). This variant is not present in population databases (gnomAD no frequency). This variant has not been reported in the literature in individuals affected with USH1G-related conditions.